The following is an entry in ClinVar:

NM_001972.4(ELANE):c.74C>T (p.Ala25Val)

Gene: ELANE (elastase, neutrophil expressed; plus strand). Cytogenetic location: 19p13.3.
Variant type: single nucleotide variant.
Coding change: c.74C>T on transcript NM_001972.4 (MANE Select); coding-DNA position 74, C replaced by T.
Protein change: p.Ala25Val; replaces alanine 25 with valine.
Molecular consequence: missense variant.
Genome position (GRCh38, 1-based): chr19:852,882, C>T. VCF-style: chr19-852882-C-T. GRCh37 (hg19) VCF-style: chr19-852882-C-T.
Other names: short protein forms A25V.
Identifiers: ClinVar variation 3341948 (VCV003341948.16).

ClinVar aggregate classification (germline): Uncertain significance (1 of 4 stars; one submission).

Submission:

CeGaT Center for Human Genetics Tuebingen
Classification: Uncertain significance. Last evaluated: 2024-08-01. Review status: criteria provided, single submitter. Criteria: CeGaT Center For Human Genetics Tuebingen Variant Classification Criteria Version 2. Collection method: clinical testing. Allele origin: germline. Affected: yes. Observed: 1 variant allele.
Comment: ELANE: PM2, BP4, BP5